The following is an entry in ClinVar:

ClinVar aggregate classification (germline): Benign. Review status: criteria provided, multiple submitters, no conflicts (2 of 4 stars). 2 submissions from 2 submitters: Benign (2). Last evaluated 2016-03-29.

Allele frequency attached by ClinVar (database versions not stated): 1000 Genomes Project 0.80811.

Submissions (2):

Laboratory for Molecular Medicine, Mass General Brigham Personalized Medicine
Classification: Benign. Last evaluated: 2016-03-29. Review status: criteria provided, single submitter. Criteria: LMM Criteria. Collection method: clinical testing. Allele origin: germline.
Comment: Variant identified in a genome or exome case(s) and assessed due to predicted null impact of the variant or pathogenic assertions in the literature or databases. Disclaimer: This variant has not undergone full assessment. The following are preliminary notes: Frequency

Breakthrough Genomics
Classification: Benign. Review status: criteria provided, single submitter. Criteria: ACMG Guidelines, 2015. Collection method: not provided. Allele origin: germline. Inheritance: Unknown mechanism. Affected: yes.

NM_018406.7(MUC4):c.7120T>C (p.Ser2374Pro)

Gene: MUC4 (mucin 4, cell surface associated). Cytogenetic location: 3q29.
Variant type: single nucleotide variant.
Coding change: c.7120T>C on transcript NM_018406.7 (MANE Select); coding-DNA position 7120, T replaced by C.
Protein change: p.Ser2374Pro; replaces serine 2374 with proline.
Molecular consequence: missense variant. On other transcripts: genic upstream transcript variant (2).
Genome position (GRCh38, 1-based): chr3:195,784,460, A>G on the plus strand (T>C on the coding strand, the complement: MUC4 is on the minus strand). VCF-style: chr3-195784460-A-G. GRCh37 (hg19) VCF-style: chr3-195511331-A-G.
Other names: c.10399A>C, p.Thr3467Pro (NM_001322468.1); c.83-10155T>C (NM_138297.5); c.83-6005T>C (NM_004532.6); short protein forms S2374P, T3467P.
Identifiers: ClinVar variation 403122 (VCV000403122.5), dbSNP rs56359992, ClinGen allele CA2772553.